The following is an entry in ClinVar:

ClinVar aggregate classification (germline): Benign (1 of 4 stars; one submission).

Allele frequency attached by ClinVar (database versions not stated): gnomAD 0.84198.
gnomAD v4.1: 108,662 of 125,708 alleles (86%); highest among the groups gnomAD compares: African/African-American, 94%; 47,505 homozygotes.

Submission:

GeneDx
Classification: Benign. Last evaluated: 2018-06-14. Review status: criteria provided, single submitter. Criteria: GeneDx Variant Classification (06012015). Collection method: clinical testing. Allele origin: germline. Affected: yes.
Comment: This variant is considered likely benign or benign based on one or more of the following criteria: it is a conservative change, it occurs at a poorly conserved position in the protein, it is predicted to be benign by multiple in silico algorithms, and/or has population frequency not consistent with disease.

NM_018838.5(NDUFA12):c.169+271G>C

Gene: NDUFA12 (NADH:ubiquinone oxidoreductase subunit A12; minus strand). Cytogenetic location: 12q22.
Variant type: single nucleotide variant.
Coding change: c.169+271G>C on transcript NM_018838.5 (MANE Select); 271 bases into the intron after coding-DNA position 169, G replaced by C.
Molecular consequence: intron variant.
Genome position (GRCh38, 1-based): chr12:95,002,468, C>G on the plus strand (G>C on the coding strand, the complement: NDUFA12 is on the minus strand). VCF-style: chr12-95002468-C-G. GRCh37 (hg19) VCF-style: chr12-95396244-C-G.
Other names: c.169+271G>C (NM_001258338.2).
Identifiers: ClinVar variation 682689 (VCV000682689.1), dbSNP rs6538587, ClinGen allele CA241296307.
Genomic context (GRCh38, chr12:95,002,468, plus strand): 5'-CTCCAGCCTGGCCGACAGAGACTCCATCTCAAAAAAAAAAAAAAAAAAAAAAAAAAAGAA[C>G]AAAAACACTTCAAAATTTGATAGGTGAAAAATATATAACACTGTTTTTAAAGTTGCATTT-3'